The following is an entry in ClinVar:

ClinVar aggregate classification (germline): Uncertain significance (1 of 4 stars; one submission).

Conditions:
Combined immunodeficiency due to STIM1 deficiency. Also called: IMMUNODEFICIENCY 10; STIM1 DEFICIENCY. Identifiers: Orphanet 169090, Orphanet 317430, MedGen C2748557, MONDO:0013008, OMIM 612783.
Stormorken syndrome (STRMK). Also called: THROMBOCYTOPATHY, ASPLENIA, AND MIOSIS. Identifiers: Orphanet 3204, MedGen C1861451, MONDO:0008497, OMIM 185070.
Myopathy with tubular aggregates (TAM). Also called: Tubular Aggregate Myopathy. Identifiers: Orphanet 2593, MedGen C0410207, MONDO:0008051.

Submission:

Labcorp Genetics (formerly Invitae), Labcorp
Classification: Uncertain significance for Myopathy with tubular aggregates; Combined immunodeficiency due to STIM1 deficiency; Stormorken syndrome. Last evaluated: 2025-06-15. Review status: criteria provided, single submitter. Criteria: Invitae Variant Classification Sherloc (09022015). Collection method: clinical testing. Allele origin: germline.
Comment: This sequence change replaces proline, which is neutral and non-polar, with arginine, which is basic and polar, at codon 458 of the STIM1 protein (p.Pro458Arg). This variant is not present in population databases (gnomAD no frequency). This variant has not been reported in the literature in individuals affected with STIM1-related conditions. ClinVar contains an entry for this variant (Variation ID: 3758180). Invitae Evidence Modeling of protein sequence and biophysical properties (such as structural, functional, and spatial information, amino acid conservation, physicochemical variation, residue mobility, and thermodynamic stability) has been performed for this missense variant. However, the output from this modeling did not meet the statistical confidence thresholds required to predict the impact of this variant on STIM1 protein function. In summary, the available evidence is currently insufficient to determine the role of this variant in disease. Therefore, it has been classified as a Variant of Uncertain Significance.

NM_001382567.1(STIM1):c.1373C>G (p.Pro458Arg)

Gene: STIM1 (stromal interaction molecule 1; plus strand). Cytogenetic location: 11p15.4.
Variant type: single nucleotide variant.
Coding change: c.1373C>G on transcript NM_001382567.1 (MANE Select); coding-DNA position 1373, C replaced by G.
Protein change: p.Pro458Arg; replaces proline 458 with arginine.
Molecular consequence: missense variant. On other transcripts: non-coding transcript variant (2).
Genome position (GRCh38, 1-based): chr11:4,083,397, C>G. VCF-style: chr11-4083397-C-G. GRCh37 (hg19) VCF-style: chr11-4104627-C-G.
Other names: c.1373C>G, p.Pro458Arg (NM_001277961.3, NM_001277962.2, NM_003156.4); c.1151C>G, p.Pro384Arg (NM_001382566.1, NM_001382573.1, NM_001382575.1 and 4 more transcripts); c.1394C>G, p.Pro465Arg (NM_001382568.1); c.1238C>G, p.Pro413Arg (NM_001382569.1); c.1145C>G, p.Pro382Arg (NM_001382570.1); c.893C>G, p.Pro298Arg (NM_001382571.1); c.884C>G, p.Pro295Arg (NM_001382580.1, NM_001382581.1); short protein forms P295R, P298R, P382R, P384R, P413R, P458R, P465R.
Identifiers: ClinVar variation 3758180 (VCV003758180.2).